The following is an entry in ClinVar:

NM_004991.4(MECOM):c.602C>T (p.Pro201Leu)

Gene: MECOM (MDS1 and EVI1 complex locus; minus strand). Cytogenetic location: 3q26.2.
Variant type: single nucleotide variant.
Coding change: c.602C>T on transcript NM_004991.4 (MANE Select); coding-DNA position 602, C replaced by T.
Protein change: p.Pro201Leu; replaces proline 201 with leucine.
Molecular consequence: missense variant.
Genome position (GRCh38, 1-based): chr3:169,131,440, G>A on the plus strand (C>T on the coding strand, the complement: MECOM is on the minus strand). VCF-style: chr3-169131440-G-A. GRCh37 (hg19) VCF-style: chr3-168849228-G-A.
Other names: c.230C>T, p.Pro77Leu (NM_001105077.4); c.38C>T, p.Pro13Leu (NM_001105078.4, NM_001163999.2, NM_001164000.2 and 9 more transcripts); c.602C>T, p.Pro201Leu (NM_001366466.2, NM_001366473.2); short protein forms P77L, P13L, P201L.
Identifiers: ClinVar variation 4053113 (VCV004053113.1).

ClinVar aggregate classification (germline): Uncertain significance (1 of 4 stars; one submission).

Conditions:
Inborn genetic diseases. Identifiers: MedGen C0950123, MeSH D030342.

Submission:

Ambry Genetics
Classification: Uncertain significance for Inborn genetic diseases. Last evaluated: 2025-03-29. Review status: criteria provided, single submitter. Criteria: Ambry Variant Classification Scheme 2023. Collection method: clinical testing. Allele origin: germline.
Comment: The p.P201L variant (also known as c.602C>T), located in coding exon 4 of the MECOM gene, results from a C to T substitution at nucleotide position 602. The proline at codon 201 is replaced by leucine, an amino acid with similar properties. This amino acid position is conserved. In addition, the in silico prediction for this alteration is inconclusive. Based on the available evidence, the clinical significance of this variant remains unclear.